The following is an entry in ClinVar:

ClinVar aggregate classification (germline): Uncertain significance (1 of 4 stars; one submission).

Conditions:
Developmental and epileptic encephalopathy 94 (DEE94). Also called: Epileptic encephalopathy, childhood-onset; CHD2-Related Neurodevelopmental Disorders. Identifiers: Orphanet 1942, Orphanet 2382, MedGen C3809278, MONDO:0014150, OMIM 615369.

gnomAD v4.1: 2 of 1,606,840 alleles (0.00012%); highest among the groups gnomAD compares: Non-Finnish European, 0.00017%; no homozygotes.

Submission:

Labcorp Genetics (formerly Invitae), Labcorp
Classification: Uncertain significance for Developmental and epileptic encephalopathy 94. Last evaluated: 2025-05-30. Review status: criteria provided, single submitter. Criteria: Invitae Variant Classification Sherloc (09022015). Collection method: clinical testing. Allele origin: germline.
Comment: This sequence change falls in intron 6 of the CHD2 gene. It does not directly change the encoded amino acid sequence of the CHD2 protein. It affects a nucleotide within the consensus splice site. This variant is not present in population databases (gnomAD no frequency). This variant has not been reported in the literature in individuals affected with CHD2-related conditions. ClinVar contains an entry for this variant (Variation ID: 1496980). Variants that disrupt the consensus splice site are a relatively common cause of aberrant splicing (PMID: 17576681, 9536098). Algorithms developed to predict the effect of sequence changes on RNA splicing suggest that this variant is not likely to affect RNA splicing. In summary, the available evidence is currently insufficient to determine the role of this variant in disease. Therefore, it has been classified as a Variant of Uncertain Significance.

Literature cited by the submitters: PubMed 17576681; PubMed 9536098.

NM_001271.4(CHD2):c.551+3G>A

Gene: CHD2 (chromodomain helicase DNA binding protein 2; plus strand). Cytogenetic location: 15q26.1.
Variant type: single nucleotide variant.
Coding change: c.551+3G>A on transcript NM_001271.4 (MANE Select); 3 bases into the intron after coding-DNA position 551, G replaced by A.
Molecular consequence: intron variant.
Genome position (GRCh38, 1-based): chr15:92,937,628, G>A. VCF-style: chr15-92937628-G-A. GRCh37 (hg19) VCF-style: chr15-93480858-G-A.
Other names: c.551+3G>A (NM_001042572.3).
Identifiers: ClinVar variation 1496980 (VCV001496980.6), dbSNP rs2141773591, ClinGen allele CA2573151494.